The following is an entry in ClinVar:

ClinVar aggregate classification (germline): Uncertain significance (1 of 4 stars; one submission).

Conditions:
Desmin-related myofibrillar myopathy (MFM1). Also called: Desminopathy; Desmin related myopathy (former name); Desmin storage myopathy (former name); Myofibrillar myopathy 1; MYOFIBRILLAR MYOPATHY WITH ARRHYTHMOGENIC RIGHT VENTRICULAR CARDIOMYOPATHY; DESMIN-RELATED MYOPATHY WITH ARRHYTHMOGENIC RIGHT VENTRICULAR CARDIOMYOPATHY. Identifiers: Orphanet 363543, Orphanet 98909, MedGen C1832370, MONDO:0011076, OMIM 601419.

Submission:

Labcorp Genetics (formerly Invitae), Labcorp
Classification: Uncertain significance for Desmin-related myofibrillar myopathy. Last evaluated: 2020-06-12. Review status: criteria provided, single submitter. Criteria: Invitae Variant Classification Sherloc (09022015). Collection method: clinical testing. Allele origin: germline.
Comment: This sequence change replaces glutamic acid with valine at codon 156 of the DES protein (p.Glu156Val). The glutamic acid residue is highly conserved and there is a moderate physicochemical difference between glutamic acid and valine. The frequency data for this variant in the population databases is considered unreliable, as metrics indicate insufficient coverage at this position in the ExAC database. This variant has not been reported in the literature in individuals with DES-related conditions. Algorithms developed to predict the effect of missense changes on protein structure and function are either unavailable or do not agree on the potential impact of this missense change (SIFT: "Deleterious"; PolyPhen-2: "Probably Damaging"; Align-GVGD: "Class C0"). In summary, the available evidence is currently insufficient to determine the role of this variant in disease. Therefore, it has been classified as a Variant of Uncertain Significance.

NM_001927.4(DES):c.467A>T (p.Glu156Val)

Gene: DES (desmin; plus strand). Cytogenetic location: 2q35.
Variant type: single nucleotide variant.
Coding change: c.467A>T on transcript NM_001927.4 (MANE Select); coding-DNA position 467, A replaced by T.
Protein change: p.Glu156Val; replaces glutamic acid 156 with valine.
Molecular consequence: missense variant.
Genome position (GRCh38, 1-based): chr2:219,418,929, A>T. VCF-style: chr2-219418929-A-T. GRCh37 (hg19) VCF-style: chr2-220283651-A-T.
Other names: c.467A>T, p.Glu156Val (NM_001382708.1, NM_001382709.1, NM_001382710.1 and 3 more transcripts); short protein forms E156V.
Identifiers: ClinVar variation 1056335 (VCV001056335.9), dbSNP rs2125166482, ClinGen allele CA350686474.
Genomic context (GRCh38, chr2:219,418,929, plus strand): 5'-TCGCCGCCGAAGTGAACCGGCTCAAGGGCCGCGAGCCGACGCGAGTGGCCGAGCTCTACG[A>T]GGAGGAGCTGCGGGAGCTGCGGCGCCAGGTGGAGGTGCTCACTAACCAGCGCGCGCGCGT-3'
Protein context (NP_001918.3, residues 146-166): REPTRVAELY[Glu156Val]EELRELRRQV